The following is an entry in ClinVar:

NM_000169.3(GLA):c.538T>G (p.Leu180Val)

Genes: GLA (galactosidase alpha; minus strand), RPL36A-HNRNPH2 (RPL36A-HNRNPH2 readthrough; plus strand). Cytogenetic location: Xq22.1.
Variant type: single nucleotide variant.
Coding change: c.538T>G on transcript NM_000169.3 (MANE Select); coding-DNA position 538, T replaced by G.
Protein change: p.Leu180Val; replaces leucine 180 with valine.
Molecular consequence: missense variant. On other transcripts: non-coding transcript variant (3), intron variant (2).
Genome position (GRCh38, 1-based): chrX:101,401,641, A>C on the plus strand (T>G on the coding strand, the complement: GLA is on the minus strand). VCF-style: chrX-101401641-A-C. GRCh37 (hg19) VCF-style: chrX-100656629-A-C.
Other names: c.661T>G, p.Leu221Val (NM_001406747.1, NM_001406749.1); c.538T>G, p.Leu180Val (NM_001406748.1); c.300+6184A>C (NM_001199973.2); c.177+9819A>C (NM_001199974.2); short protein forms L180V, L221V.
Identifiers: ClinVar variation 4087413 (VCV004087413.2).
Genomic context (GRCh38, chrX:101,401,641, plus strand): 5'-TGGCCTCAAAGTTCTTTCCTTTGTGGCTAAATCTCTGGAATGAAACATTACCATCTGCCA[A>C]ATTTTCCAAACTGTCACAGTAACAACCATCAAATTTTAGCAGATCTACTCCCCAGTCAGC-3'
Protein context (NP_000160.1, residues 170-190): DGCYCDSLEN[Leu180Val]ADGYKHMSLA

ClinVar aggregate classification (germline): Uncertain significance (1 of 4 stars; one submission).

Conditions:
Fabry disease. Also called: ALPHA-GALACTOSIDASE A DEFICIENCY; ANDERSON-FABRY DISEASE; CERAMIDE TRIHEXOSIDASE DEFICIENCY; GLA DEFICIENCY; HEREDITARY DYSTOPIC LIPIDOSIS; Angiokeratoma corporis diffusum. Identifiers: Orphanet 324, MedGen C0002986, MONDO:0010526, OMIM 301500, HP:0001071. Disease mechanism: Fabry disease is due to inactivating mutations in the X-linked GLA gene resulting in deficiency of the enzyme Alpha Galactosidase-A., loss of function.

Submission:

Genomenon, Inc
Classification: Uncertain significance for Fabry disease. Last evaluated: 2026-09-08. Review status: criteria provided, single submitter. Criteria: Genomenon Sequence Variant Interpretation Standards - Updated. Collection method: curation. Allele origin: germline. Affected: no.
Comment: GLA p.Leu180Val (c.538T>G) is a missense variant that changes the amino acid at codon 180 from Leucine to Valine. This variant has been reported in the published literature (PMID:31956509;33016649). The presence of pathogenic/likely pathogenic missense variant(s) at the same amino acid position indicates that this residue is likely important for protein function. It is absent or not present at a significant frequency in gnomAD. In conclusion, we classify GLA p.Leu180Val (c.538T>G) as a variant of uncertain significance.

Literature cited by the submitters: PubMed 31956509; PubMed 33016649.